The following is an entry in ClinVar:

ClinVar aggregate classification (germline): Conflicting classifications of pathogenicity. Review status: criteria provided, conflicting classifications (1 of 4 stars). 2 submissions from 2 submitters: Uncertain significance (1); Likely benign (1). Last evaluated 2023-03-23.

Conditions:
Hereditary cancer-predisposing syndrome. Also called: Neoplastic Syndromes, Hereditary; Tumor predisposition; Hereditary Cancer Syndrome; Hereditary neoplastic syndrome. Identifiers: Orphanet 140162, MedGen C0027672, MeSH D009386, MONDO:0015356.

Allele frequency attached by ClinVar (database versions not stated): TOPMed below 0.00001.

Submissions (2):

University of Washington Department of Laboratory Medicine, University of Washington
Classification: Likely benign for Hereditary cancer-predisposing syndrome. Last evaluated: 2023-03-23. Review status: criteria provided, single submitter. Criteria: Dines et al. (Genet Med. 2020). Collection method: curation. Allele origin: germline.
Comment: Missense variant in a coldspot region where missense variants are very unlikely to be pathogenic (PMID:31911673).

BRCA1 coldspot (exon 11 using historical exon numbering). Reclassification based on statistical prior probability

Ambry Genetics
Classification: Uncertain significance for Hereditary cancer-predisposing syndrome. Last evaluated: 2021-09-05. Review status: criteria provided, single submitter. Criteria: Ambry Variant Classification Scheme 2023. Collection method: clinical testing. Allele origin: germline.
Comment: The p.F1231C variant (also known as c.3692T>G), located in coding exon 9 of the BRCA1 gene, results from a T to G substitution at nucleotide position 3692. The phenylalanine at codon 1231 is replaced by cysteine, an amino acid with highly dissimilar properties. This amino acid position is conserved. In addition, this alteration is predicted to be deleterious by in silico analysis. Since supporting evidence is limited at this time, the clinical significance of this alteration remains unclear.

NM_007294.4(BRCA1):c.3692T>G (p.Phe1231Cys)

Genes: BRCA1 (BRCA1 DNA repair associated; minus strand), LOC126862571 (BRD4-independent group 4 enhancer GRCh37_chr17:41243136-41244335; plus strand). Cytogenetic location: 17q21.31.
Variant type: single nucleotide variant.
Coding change: c.3692T>G on transcript NM_007294.4 (MANE Select); coding-DNA position 3692, T replaced by G.
Protein change: p.Phe1231Cys; replaces phenylalanine 1231 with cysteine.
Molecular consequence: missense variant. On other transcripts: intron variant (135).
Genome position (GRCh38, 1-based): chr17:43,091,839, A>C on the plus strand (T>G on the coding strand, the complement: BRCA1 is on the minus strand). VCF-style: chr17-43091839-A-C. GRCh37 (hg19) VCF-style: chr17-41243856-A-C.
Other names: c.3479T>G, p.Phe1160Cys (NM_001407571.1, NM_001407853.1, NM_001407894.1 and 9 more transcripts); c.3692T>G, p.Phe1231Cys (NM_001407581.1, NM_001407582.1, NM_001407583.1 and 30 more transcripts); c.3689T>G, p.Phe1230Cys (NM_001407587.1, NM_001407590.1, NM_001407591.1 and 22 more transcripts); c.3683T>G, p.Phe1228Cys (NM_001407646.1, NM_001407647.1); c.3569T>G, p.Phe1190Cys (NM_001407648.1, NM_001407664.1, NM_001407665.1 and 19 more transcripts); c.3566T>G, p.Phe1189Cys (NM_001407649.1, NM_001407670.1, NM_001407671.1 and 11 more transcripts); c.3614T>G, p.Phe1205Cys (NM_001407653.1, NM_001407654.1, NM_001407655.1 and 4 more transcripts); c.3611T>G, p.Phe1204Cys (NM_001407659.1, NM_001407660.1, NM_001407661.1 and 1 more transcripts); and 41 more; short protein forms F1063C, F1103C, F1163C, F1183C, F1205C, F363C, F1104C, F1120C.
Identifiers: ClinVar variation 1733978 (VCV001733978.4), dbSNP rs2053542972, ClinGen allele CA10594578.
Genomic context (GRCh38, chr17:43,091,839, plus strand): 5'-CACTCGGTAGCAACGGTGCTATGCCTAGTAGACTGAGAAGGTATATTGTTTACTTTACCA[A>C]ATAACAAGTGTTGGAAGCAGGGAAGCTCTTCATCCTCACTAGATAAGTTCTCTTCTGAGG-3'
Protein context (NP_009225.1, residues 1221-1241): EELPCFQHLL[Phe1231Cys]GKVNNIPSQS